The following is an entry in ClinVar:

NM_001367624.2(ZNF469):c.634dup (p.Gln212fs)

Gene: ZNF469 (zinc finger protein 469; plus strand). Cytogenetic location: 16q24.2.
Variant type: Duplication.
Coding change: c.634dup on transcript NM_001367624.2 (MANE Select); coding-DNA position 634, one base duplicated (C; older notation c.634dupC).
Protein change: p.Gln212fs; shifts the reading frame from glutamine 212.
Molecular consequence: frameshift variant.
Genome position (GRCh38, 1-based): chr16:88,428,104, C duplicated; the last of 7 consecutive C bases (chr16:88,428,098-88,428,104); duplicating any one gives the same sequence. VCF-style (leftmost placement, unchanged base first): chr16-88428097-G-GC. GRCh37 (hg19) VCF-style: chr16-88494505-G-GC.
Other names: short protein forms Q212fs.
Identifiers: ClinVar variation 2802928 (VCV002802928.3), dbSNP rs2507571828, ClinGen allele CA624447577.

ClinVar aggregate classification (germline): Pathogenic (1 of 4 stars; one submission).

Submission:

Labcorp Genetics (formerly Invitae), Labcorp
Classification: Pathogenic. Last evaluated: 2024-01-04. Review status: criteria provided, single submitter. Criteria: Invitae Variant Classification Sherloc (09022015). Collection method: clinical testing. Allele origin: germline.
Comment: This sequence change creates a premature translational stop signal (p.Gln212Profs*29) in the ZNF469 gene. It is expected to result in an absent or disrupted protein product. Loss-of-function variants in ZNF469 are known to be pathogenic (PMID: 23642083, 23680354). This variant is not present in population databases (gnomAD no frequency). This variant has not been reported in the literature in individuals affected with ZNF469-related conditions. For these reasons, this variant has been classified as Pathogenic.

Literature cited by the submitters: PubMed 23642083; PubMed 23680354.